The following is an entry in ClinVar:

NM_032242.4(PLXNA1):c.3981T>C (p.Tyr1327=)

Gene: PLXNA1 (plexin A1; plus strand). Cytogenetic location: 3q21.3.
Variant type: single nucleotide variant.
Coding change: c.3981T>C on transcript NM_032242.4 (MANE Select); coding-DNA position 3981, T replaced by C.
Protein change: p.Tyr1327=; no amino-acid change (tyrosine 1327 retained).
Molecular consequence: synonymous variant.
Genome position (GRCh38, 1-based): chr3:127,020,287, T>C. VCF-style: chr3-127020287-T-C. GRCh37 (hg19) VCF-style: chr3-126739130-T-C.
Other names: c.3981T>C (NM_032242.3).
Identifiers: ClinVar variation 1528433 (VCV001528433.10), dbSNP rs373125440, ClinGen allele CA2594201.

ClinVar aggregate classification (germline): Likely benign. Review status: criteria provided, single submitter (1 of 4 stars). 2 submissions from 2 submitters: Likely benign (1). 1 of the submissions does not count toward it. Last evaluated 2025-10-01.

Conditions:
PLXNA1-related disorder. Also called: PLXNA1-related condition.

Allele frequency attached by ClinVar (database versions not stated): ExAC 0.00011; gnomAD exomes 0.00011; TOPMed 0.00011; gnomAD 0.00012 and 0.00013; ESP Exome Variant Server 0.00023.
gnomAD v4.1: 194 of 1,613,098 alleles (0.012%); highest among the groups gnomAD compares: Middle Eastern, 0.016%; no homozygotes.

Submissions (2):

Labcorp Genetics (formerly Invitae), Labcorp
Classification: Likely benign. Last evaluated: 2025-10-01. Review status: criteria provided, single submitter. Criteria: Invitae Variant Classification Sherloc (09022015). Collection method: clinical testing. Allele origin: germline.

PreventionGenetics, part of Exact Sciences
Classification: Likely benign for PLXNA1-related condition. Last evaluated: 2023-08-14. Review status: no assertion criteria provided. Collection method: clinical testing. Allele origin: germline. Not counted in ClinVar's aggregate classification.
Comment: This variant is classified as likely benign based on ACMG/AMP sequence variant interpretation guidelines (Richards et al. 2015 PMID: 25741868, with internal and published modifications).